The following is an entry in ClinVar:

NC_000001.10:g.(?_216348574)_(216363729_?)del

Gene: USH2A (usherin; minus strand). Cytogenetic location: 1q41.
Variant type: Deletion.
Identifiers: ClinVar variation 2427764 (VCV002427764.3).

ClinVar aggregate classification (germline): Pathogenic (1 of 4 stars; one submission).

Submission:

Labcorp Genetics (formerly Invitae), Labcorp
Classification: Pathogenic. Last evaluated: 2022-08-22. Review status: criteria provided, single submitter. Criteria: Invitae Variant Classification Sherloc (09022015). Collection method: clinical testing. Allele origin: germline.
Comment: This variant is a gross deletion of the genomic region encompassing exon(s) 20-21 of the USH2A gene. This deletion is out-of-frame, and is expected to create a premature termination codon and result in an absent or disrupted protein product. Loss-of-function variants in USH2A are known to be pathogenic (PMID: 10729113, 10909849, 20507924, 25649381). This variant has not been reported in the literature in individuals affected with USH2A-related conditions. For these reasons, this variant has been classified as Pathogenic.

Literature cited by the submitters: PubMed 10729113; PubMed 10909849; PubMed 20507924; PubMed 25649381.